The following is an entry in ClinVar:

NM_006044.4(HDAC6):c.3153G>A (p.Gly1051=)

Gene: HDAC6 (histone deacetylase 6; plus strand). Cytogenetic location: Xp11.23.
Variant type: single nucleotide variant.
Coding change: c.3153G>A on transcript NM_006044.4 (MANE Select); coding-DNA position 3153, G replaced by A.
Protein change: p.Gly1051=; no amino-acid change (glycine 1051 retained).
Molecular consequence: synonymous variant. On other transcripts: non-coding transcript variant (1).
Genome position (GRCh38, 1-based): chrX:48,823,552, G>A. VCF-style: chrX-48823552-G-A. GRCh37 (hg19) VCF-style: chrX-48681962-G-A.
Other names: c.3195G>A, p.Gly1065= (NM_001321225.2); c.3153G>A, p.Gly1051= (NM_001321226.2, NM_001321227.2, NM_001321228.2 and 1 more transcripts).
Identifiers: ClinVar variation 734749 (VCV000734749.29), dbSNP rs371512851, ClinGen allele CA10405375.

ClinVar aggregate classification (germline): Benign/Likely benign. Review status: criteria provided, multiple submitters, no conflicts (2 of 4 stars). 4 submissions from 4 submitters: Benign (2); Likely benign (1). 1 of the submissions does not count toward it. Last evaluated 2023-03-01.

Conditions:
HDAC6-related disorder. Also called: HDAC6-related condition.

Allele frequency attached by ClinVar (database versions not stated): ESP Exome Variant Server 0.00019; gnomAD exomes 0.00023 and 0.00043; gnomAD 0.00037 and 0.00041; ExAC 0.00039; TOPMed 0.00048.
gnomAD v4.1: 310 of 1,207,987 alleles (0.026%); highest among the groups gnomAD compares: Middle Eastern, 0.57%; 3 homozygotes.

Submissions (4):

CeGaT Center for Human Genetics Tuebingen
Classification: Likely benign. Last evaluated: 2023-03-01. Review status: criteria provided, single submitter. Criteria: CeGaT Center For Human Genetics Tuebingen Variant Classification Criteria Version 2. Collection method: clinical testing. Allele origin: germline. Affected: yes. Observed: 1 variant allele.
Comment: HDAC6: BP4, BP7, BS2

Labcorp Genetics (formerly Invitae), Labcorp
Classification: Benign. Last evaluated: 2018-06-29. Review status: criteria provided, single submitter. Criteria: Invitae Variant Classification Sherloc (09022015). Collection method: clinical testing. Allele origin: germline.

Breakthrough Genomics
Classification: Benign. Review status: criteria provided, single submitter. Criteria: ACMG Guidelines, 2015. Collection method: not provided. Allele origin: germline. Inheritance: X-linked inheritance. Affected: yes.

PreventionGenetics, part of Exact Sciences
Classification: Likely benign for HDAC6-related condition. Last evaluated: 2024-03-14. Review status: no assertion criteria provided. Collection method: clinical testing. Allele origin: germline. Not counted in ClinVar's aggregate classification.
Comment: This variant is classified as likely benign based on ACMG/AMP sequence variant interpretation guidelines (Richards et al. 2015 PMID: 25741868, with internal and published modifications).